The following is an entry in ClinVar:

ClinVar aggregate classification (germline): Uncertain significance. Review status: criteria provided, multiple submitters, no conflicts (2 of 4 stars). 2 submissions from 2 submitters: Uncertain significance (2). Last evaluated 2025-07-28.

Conditions:
Cyclical neutropenia. Also called: Cyclic hematopoiesis; Cyclic Neutropenia. Identifiers: Orphanet 2686, MedGen C0221023, MONDO:0008090, OMIM 162800, HP:0040289. Disease mechanism: loss of function.
Neutropenia, severe congenital, 1, autosomal dominant. Identifiers: MedGen C1859966, MONDO:0042490, OMIM 202700.
Inborn genetic diseases. Identifiers: MedGen C0950123, MeSH D030342.

gnomAD v4.1: 1 of 1,609,320 alleles (0.000062%); highest among the groups gnomAD compares: South Asian, 0.0011%; no homozygotes.

Submissions (2):

Ambry Genetics
Classification: Uncertain significance for Inborn genetic diseases. Last evaluated: 2025-07-28. Review status: criteria provided, single submitter. Criteria: Ambry Variant Classification Scheme 2023. Collection method: clinical testing. Allele origin: germline.
Comment: The p.R163S variant (also known as c.487C>A), located in coding exon 4 of the ELANE gene, results from a C to A substitution at nucleotide position 487. The arginine at codon 163 is replaced by serine, an amino acid with dissimilar properties. This amino acid position is conserved. In addition, the in silico prediction for this alteration is inconclusive. Based on the available evidence, the clinical significance of this variant remains unclear.

Labcorp Genetics (formerly Invitae), Labcorp
Classification: Uncertain significance for Neutropenia, severe congenital, 1, autosomal dominant; Cyclical neutropenia. Last evaluated: 2022-06-04. Review status: criteria provided, single submitter. Criteria: Invitae Variant Classification Sherloc (09022015). Collection method: clinical testing. Allele origin: germline.
Comment: In summary, the available evidence is currently insufficient to determine the role of this variant in disease. Therefore, it has been classified as a Variant of Uncertain Significance. Algorithms developed to predict the effect of missense changes on protein structure and function (SIFT, PolyPhen-2, Align-GVGD) all suggest that this variant is likely to be tolerated. ClinVar contains an entry for this variant (Variation ID: 958365). This variant has not been reported in the literature in individuals affected with ELANE-related conditions. This variant is present in population databases (no rsID available, gnomAD 0.003%). This sequence change replaces arginine, which is basic and polar, with serine, which is neutral and polar, at codon 163 of the ELANE protein (p.Arg163Ser).

NM_001972.4(ELANE):c.487C>A (p.Arg163Ser)

Gene: ELANE (elastase, neutrophil expressed; plus strand). Cytogenetic location: 19p13.3.
Variant type: single nucleotide variant.
Coding change: c.487C>A on transcript NM_001972.4 (MANE Select); coding-DNA position 487, C replaced by A.
Protein change: p.Arg163Ser; replaces arginine 163 with serine.
Molecular consequence: missense variant.
Genome position (GRCh38, 1-based): chr19:855,684, C>A. VCF-style: chr19-855684-C-A. GRCh37 (hg19) VCF-style: chr19-855684-C-A.
Other names: short protein forms R163S.
Identifiers: ClinVar variation 958365 (VCV000958365.13), dbSNP rs759382746, ClinGen allele CA402918324.